The following is an entry in ClinVar:

NM_182961.4(SYNE1):c.10300-117C>T

Gene: SYNE1 (spectrin repeat containing nuclear envelope protein 1; minus strand). Cytogenetic location: 6q25.2.
Variant type: single nucleotide variant.
Coding change: c.10300-117C>T on transcript NM_182961.4 (MANE Select); 117 bases into the intron before coding-DNA position 10300, C replaced by T.
Molecular consequence: intron variant.
Genome position (GRCh38, 1-based): chr6:152,359,575, G>A on the plus strand (C>T on the coding strand, the complement: SYNE1 is on the minus strand). VCF-style: chr6-152359575-G-A. GRCh37 (hg19) VCF-style: chr6-152680710-G-A.
Other names: c.10321-117C>T (NM_033071.5).
Identifiers: ClinVar variation 670163 (VCV000670163.1), dbSNP rs78531855, ClinGen allele CA150207874.
Genomic context (GRCh38, chr6:152,359,575, plus strand): 5'-ACTGCTAAAATCAAGATATTTTAATTGTACAGTTGACAAGTGACCTCAGGTTATTTATTC[G>A]TCCACTCCTCCATCATTTTATCTATTTGACACAGATATGTGTGTGAATGCATGGGTGTGT-3'

ClinVar aggregate classification (germline): Benign (1 of 4 stars; one submission).

Allele frequency attached by ClinVar (database versions not stated): 1000 Genomes Project 0.02117; 1000 Genomes Project 30x 0.02155; TOPMed 0.04712; gnomAD 0.05228 and 0.05418.
gnomAD v4.1: 80,899 of 1,254,980 alleles (6.4%); highest among the groups gnomAD compares: Admixed American, 8.1%; 3,064 homozygotes.

Submission:

GeneDx
Classification: Benign. Last evaluated: 2018-06-19. Review status: criteria provided, single submitter. Criteria: GeneDx Variant Classification (06012015). Collection method: clinical testing. Allele origin: germline. Affected: yes.
Comment: This variant is considered likely benign or benign based on one or more of the following criteria: it is a conservative change, it occurs at a poorly conserved position in the protein, it is predicted to be benign by multiple in silico algorithms, and/or has population frequency not consistent with disease.